The following is an entry in ClinVar:

ClinVar aggregate classification (germline): Uncertain significance (1 of 4 stars; one submission).

Submission:

GeneDx
Classification: Uncertain significance. Last evaluated: 2025-04-14. Review status: criteria provided, single submitter. Criteria: GeneDx Variant Classification Process June 2021. Collection method: clinical testing. Allele origin: germline. Affected: yes.
Comment: Not observed at significant frequency in large population cohorts (gnomAD); In silico analysis supports that this missense variant has a deleterious effect on protein structure/function; Has not been previously published as pathogenic or benign to our knowledge

NM_001020658.2(PUM1):c.1214A>C (p.Gln405Pro)

Gene: PUM1 (pumilio RNA binding family member 1; minus strand). Cytogenetic location: 1p35.2.
Variant type: single nucleotide variant.
Coding change: c.1214A>C on transcript NM_001020658.2 (MANE Select); coding-DNA position 1214, A replaced by C.
Protein change: p.Gln405Pro; replaces glutamine 405 with proline.
Molecular consequence: missense variant.
Genome position (GRCh38, 1-based): chr1:30,981,350, T>G on the plus strand (A>C on the coding strand, the complement: PUM1 is on the minus strand). VCF-style: chr1-30981350-T-G. GRCh37 (hg19) VCF-style: chr1-31454197-T-G.
Other names: c.1214A>C, p.Gln405Pro (NM_014676.3); short protein forms Q405P.
Identifiers: ClinVar variation 4282115 (VCV004282115.1).
Genomic context (GRCh38, chr1:30,981,350, plus strand): 5'-AGCTATGGGCTTAAGGACTTACCGATGTGCGGCTGATGAGCAGCTGCCAGTGCATACTGC[T>G]GCTGCTGAGCAGCTGTCAACTGCTGGACAGCAAGCGCATTAGGTCTTTGGAACAGCTGAG-3'
Protein context (NP_001018494.1, residues 395-415): AVQQLTAAQQ[Gln405Pro]QYALAAAHQP